The following is an entry in ClinVar:

NM_001330677.2(TBX15):c.953C>A (p.Thr318Lys)

Gene: TBX15 (T-box transcription factor 15; minus strand). Cytogenetic location: 1p12.
Variant type: single nucleotide variant.
Coding change: c.953C>A on transcript NM_001330677.2 (MANE Select); coding-DNA position 953, C replaced by A.
Protein change: p.Thr318Lys; replaces threonine 318 with lysine.
Molecular consequence: missense variant.
Genome position (GRCh38, 1-based): chr1:118,899,099, G>T on the plus strand (C>A on the coding strand, the complement: TBX15 is on the minus strand). VCF-style: chr1-118899099-G-T. GRCh37 (hg19) VCF-style: chr1-119441722-G-T.
Other names: c.635C>A, p.Thr212Lys (NM_152380.3); c.635C>A (NM_152380.2); short protein forms T318K, T212K.
Identifiers: ClinVar variation 1440631 (VCV001440631.4), dbSNP rs142267114, ClinGen allele CA1034944.

ClinVar aggregate classification (germline): Uncertain significance. Review status: criteria provided, multiple submitters, no conflicts (2 of 4 stars). 2 submissions from 2 submitters: Uncertain significance (2). Last evaluated 2023-11-14.

Conditions:
Inborn genetic diseases. Identifiers: MedGen C0950123, MeSH D030342.

Allele frequency attached by ClinVar (database versions not stated): ExAC 0.00019; gnomAD exomes 0.00020 and 0.00041; gnomAD 0.00021 and 0.00022; TOPMed 0.00027; ESP Exome Variant Server 0.00054.
gnomAD v4.1: 621 of 1,613,650 alleles (0.038%); highest among the groups gnomAD compares: Non-Finnish European, 0.049%; 1 homozygote.

Submissions (2):

Ambry Genetics
Classification: Uncertain significance for Inborn genetic diseases. Last evaluated: 2023-11-14. Review status: criteria provided, single submitter. Criteria: Ambry Variant Classification Scheme 2023. Collection method: clinical testing. Allele origin: germline.

Labcorp Genetics (formerly Invitae), Labcorp
Classification: Uncertain significance. Last evaluated: 2022-10-24. Review status: criteria provided, single submitter. Criteria: Invitae Variant Classification Sherloc (09022015). Collection method: clinical testing. Allele origin: germline.
Comment: This sequence change replaces threonine, which is neutral and polar, with lysine, which is basic and polar, at codon 212 of the TBX15 protein (p.Thr212Lys). This variant is present in population databases (rs142267114, gnomAD 0.03%), including at least one homozygous and/or hemizygous individual. This variant has not been reported in the literature in individuals affected with TBX15-related conditions. ClinVar contains an entry for this variant (Variation ID: 1440631). Advanced modeling of protein sequence and biophysical properties (such as structural, functional, and spatial information, amino acid conservation, physicochemical variation, residue mobility, and thermodynamic stability) performed at Invitae indicates that this missense variant is not expected to disrupt TBX15 protein function. In summary, the available evidence is currently insufficient to determine the role of this variant in disease. Therefore, it has been classified as a Variant of Uncertain Significance.